The following is an entry in ClinVar:

ClinVar aggregate classification (germline): Uncertain significance (1 of 4 stars; one submission).

Conditions:
Progressive myoclonic epilepsy. Also called: Familial progressive myoclonic epilepsy; Myoclonic Epilepsies, Progressive; Progressive myoclonus epilepsy; Myoclonus epilepsy. Identifiers: Orphanet 308, Orphanet 98261, MedGen C0751778, MONDO:0020074.

Submission:

Labcorp Genetics (formerly Invitae), Labcorp
Classification: Uncertain significance for Progressive myoclonic epilepsy. Last evaluated: 2020-10-09. Review status: criteria provided, single submitter. Criteria: Invitae Variant Classification Sherloc (09022015). Collection method: clinical testing. Allele origin: germline.
Comment: Algorithms developed to predict the effect of missense changes on protein structure and function (SIFT, PolyPhen-2, Align-GVGD) all suggest that this variant is likely to be tolerated, but these predictions have not been confirmed by published functional studies and their clinical significance is uncertain. In summary, the available evidence is currently insufficient to determine the role of this variant in disease. Therefore, it has been classified as a Variant of Uncertain Significance. This variant has not been reported in the literature in individuals with EPM2A-related conditions. The frequency data for this variant in the population databases is considered unreliable, as metrics indicate insufficient coverage at this position in the ExAC database. This sequence change replaces alanine with valine at codon 53 of the EPM2A protein (p.Ala53Val). The alanine residue is weakly conserved and there is a small physicochemical difference between alanine and valine.

NM_005670.4(EPM2A):c.158C>T (p.Ala53Val)

Genes: EPM2A (EPM2A glucan phosphatase, laforin; minus strand), EPM2A-DT (EPM2A divergent transcript; plus strand), LOC129997381 (ATAC-STARR-seq lymphoblastoid silent region 17642; plus strand). Cytogenetic location: 6q24.3.
Variant type: single nucleotide variant.
Coding change: c.158C>T on transcript NM_005670.4 (MANE Select); coding-DNA position 158, C replaced by T.
Protein change: p.Ala53Val; replaces alanine 53 with valine.
Molecular consequence: missense variant. On other transcripts: 5 prime UTR variant (3), intron variant (1).
Genome position (GRCh38, 1-based): chr6:145,735,341, G>A on the plus strand (C>T on the coding strand, the complement: EPM2A is on the minus strand). VCF-style: chr6-145735341-G-A. GRCh37 (hg19) VCF-style: chr6-146056477-G-A.
Other names: c.158C>T, p.Ala53Val (NM_001018041.2, NM_001360057.2, NM_001368130.1); c.-512C>T (NM_001360071.2); c.-466C>T (NM_001368129.2); c.-210C>T (NM_001368131.1); c.-114+567C>T (NM_001360064.2); short protein forms A53V.
Identifiers: ClinVar variation 1036552 (VCV001036552.9), dbSNP rs1776804791, ClinGen allele CA366188177.
Genomic context (GRCh38, chr6:145,735,341, plus strand): 5'-TGCGCCGCCTCCTCGGCCGCCAGCTCCACCTCCCCGAGCCACAGGCCCGGCTCCTGCAGG[G>A]CCAGGGCCCCGTCGCCCGCCGCGGTGCCGGCCGGCCTCAGGCGGACGGCACCGCGCGGCT-3'
Protein context (NP_005661.1, residues 43-63): AGTAAGDGAL[Ala53Val]LQEPGLWLGE